The following is an entry in ClinVar:

ClinVar aggregate classification (germline): Likely benign (1 of 4 stars; one submission).

Submission:

CeGaT Center for Human Genetics Tuebingen
Classification: Likely benign. Last evaluated: 2023-11-01. Review status: criteria provided, single submitter. Criteria: CeGaT Center For Human Genetics Tuebingen Variant Classification Criteria Version 2. Collection method: clinical testing. Allele origin: germline. Affected: yes. Observed: 1 variant allele.
Comment: ADAMTS10: PM2:Supporting, BP4, BP7

NM_030957.4(ADAMTS10):c.1005T>G (p.Gly335=)

Gene: ADAMTS10 (ADAM metallopeptidase with thrombospondin type 1 motif 10; minus strand). Cytogenetic location: 19p13.2.
Variant type: single nucleotide variant.
Coding change: c.1005T>G on transcript NM_030957.4 (MANE Select); coding-DNA position 1005, T replaced by G.
Protein change: p.Gly335=; no amino-acid change (glycine 335 retained).
Molecular consequence: synonymous variant.
Genome position (GRCh38, 1-based): chr19:8,597,022, A>C on the plus strand (T>G on the coding strand, the complement: ADAMTS10 is on the minus strand). VCF-style: chr19-8597022-A-C. GRCh37 (hg19) VCF-style: chr19-8661906-A-C.
Identifiers: ClinVar variation 2672739 (VCV002672739.23), dbSNP rs2512626030, ClinGen allele CA505271078.
Genomic context (GRCh38, chr19:8,597,022, plus strand): 5'-TCCTAGACCTCTCCTGTCCCCTCACCGTGTGATGAGCACTGCTGTGTCATGGTTAGCCAC[A>C]CCGTTCTCTGGAATGGCATTGCCATGGCCGCTGTGGTTCACGATGGATTTCTGCCACTTA-3'
Protein context (NP_112219.3, residues 325-345): SGHGNAIPEN[Gly335=]VANHDTAVLI